The following is an entry in ClinVar:

NM_032634.4(PIGO):c.3213_3214del (p.Arg1071fs)

Gene: PIGO (phosphatidylinositol glycan anchor biosynthesis class O; minus strand). Cytogenetic location: 9p13.3.
Variant type: Microsatellite.
Coding change: c.3213_3214del on transcript NM_032634.4 (MANE Select); coding-DNA positions 3213 to 3214, 2 bases deleted (AG; older notation c.3213_3214delAG).
Protein change: p.Arg1071fs; shifts the reading frame from arginine 1071.
Molecular consequence: frameshift variant.
Genome position (GRCh38, 1-based): chr9:35,089,148-35,089,149, CT deleted on the plus strand (AG on the coding strand, the reverse complement: PIGO is on the minus strand); deleting any 2 consecutive bases within chr9:35,089,148-35,089,152 gives the same sequence; the c. name uses the placement nearest the transcript's 3' end. VCF-style (leftmost placement, unchanged base first): chr9-35089147-ACT-A. GRCh37 (hg19) VCF-style: chr9-35089144-ACT-A.
Other names: c.1962_1963del, p.Arg654fs (NM_001201484.2, NM_152850.4); short protein forms R1071fs, R654fs.
Identifiers: ClinVar variation 452203 (VCV000452203.2), dbSNP rs1554671804, ClinGen allele CA658657868.

ClinVar aggregate classification (germline): Uncertain significance (1 of 4 stars; one submission).

Submission:

GeneDx
Classification: Uncertain significance. Last evaluated: 2017-09-21. Review status: criteria provided, single submitter. Criteria: GeneDx Variant Classification (06012015). Collection method: clinical testing. Allele origin: germline. Affected: yes.
Comment: A variant of uncertain significance has been identified in the PIGO gene. The c.3213_3214delAG variant has not been published as a pathogenic variant, nor has it been reported as a benign variant to our knowledge. The c.3213_3214delAG variant is not observed in large population cohorts (Lek et al., 2016). The c.3213_3214delAG variant causes a frameshift starting with codon Arginine 1071, changes this amino acid to a Serine residue and creates a Stop codon at position 21 of the new reading frame, denoted p.Arg1071SerfsX21. This variant is predicted to cause a protein extension as the last 19 amino acids are replaced with 20 incorrect amino acids. Other variants in this region of the PIGO gene have not been reported in the Human Gene Mutation Database in association with PIGO-related disorders (Stenson et al., 2014). Therefore, based on the currently available information, it is unclear whether this variant is a pathogenic variant or a rare benign variant.